The following is an entry in ClinVar:

ClinVar aggregate classification (germline): Likely benign (1 of 4 stars; one submission).

Allele frequency attached by ClinVar (database versions not stated): gnomAD 0.01258 and 0.01334; TOPMed 0.01408; 1000 Genomes Project 0.01478; 1000 Genomes Project 30x 0.01562.
gnomAD v4.1: 1,886 of 152,328 alleles (1.2%); highest among the groups gnomAD compares: African/African-American, 4.3%; 47 homozygotes.

Submission:

GeneDx
Classification: Likely benign. Last evaluated: 2018-06-14. Review status: criteria provided, single submitter. Criteria: GeneDx Variant Classification (06012015). Collection method: clinical testing. Allele origin: germline. Affected: yes.
Comment: This variant is considered likely benign or benign based on one or more of the following criteria: it is a conservative change, it occurs at a poorly conserved position in the protein, it is predicted to be benign by multiple in silico algorithms, and/or has population frequency not consistent with disease.

NM_000053.4(ATP7B):c.1946+153T>C

Gene: ATP7B (ATPase copper transporting beta; minus strand). Cytogenetic location: 13q14.3.
Variant type: single nucleotide variant.
Coding change: c.1946+153T>C on transcript NM_000053.4 (MANE Select); 153 bases into the intron after coding-DNA position 1946, T replaced by C.
Molecular consequence: intron variant.
Genome position (GRCh38, 1-based): chr13:51,961,684, A>G on the plus strand (T>C on the coding strand, the complement: ATP7B is on the minus strand). VCF-style: chr13-51961684-A-G. GRCh37 (hg19) VCF-style: chr13-52535820-A-G.
Other names: c.1613+153T>C (NM_001243182.2); c.1869+3188T>C (NM_001005918.3); c.1870-3140T>C (NM_001330579.2); c.1946+153T>C (NM_001330578.2).
Identifiers: ClinVar variation 680998 (VCV000680998.1), dbSNP rs74087020, ClinGen allele CA250060768.
Genomic context (GRCh38, chr13:51,961,684, plus strand): 5'-CTATCACACTGGGCAGTGCAGATACAGAACACTGCCATCATTCCAGAACTTCTTTTGGAC[A>G]GCACTGTTTCAGAGGGTTCACATTACAAGGGTAAAGGCAGCTAATCCAGGAGGAAGGCAC-3'